The following is an entry in ClinVar:

ClinVar aggregate classification (germline): Uncertain significance (1 of 4 stars; one submission).

gnomAD v4.1: 46 of 1,613,800 alleles (0.0029%); highest among the groups gnomAD compares: African/African-American, 0.0067%; no homozygotes.

Submission:

Labcorp Genetics (formerly Invitae), Labcorp
Classification: Uncertain significance. Last evaluated: 2021-07-31. Review status: criteria provided, single submitter. Criteria: Invitae Variant Classification Sherloc (09022015). Collection method: clinical testing. Allele origin: germline.
Comment: In summary, the available evidence is currently insufficient to determine the role of this variant in disease. Therefore, it has been classified as a Variant of Uncertain Significance. Algorithms developed to predict the effect of missense changes on protein structure and function are either unavailable or do not agree on the potential impact of this missense change (SIFT: "Not Available"; PolyPhen-2: "Possibly Damaging"; Align-GVGD: "Not Available"). This variant has not been reported in the literature in individuals affected with CTSB-related conditions. This variant is present in population databases (rs756929729, ExAC 0.008%). This sequence change replaces glycine with arginine at codon 272 of the CTSB protein (p.Gly272Arg). The glycine residue is highly conserved and there is a moderate physicochemical difference between glycine and arginine.

NM_001908.5(CTSB):c.814G>A (p.Gly272Arg)

Gene: CTSB (cathepsin B). Cytogenetic location: 8p23.1.
Variant type: single nucleotide variant.
Coding change: c.814G>A on transcript NM_001908.5 (MANE Select); coding-DNA position 814, G replaced by A.
Protein change: p.Gly272Arg; replaces glycine 272 with arginine.
Molecular consequence: missense variant.
Genome position (GRCh38, 1-based): chr8:11,845,769, C>T on the plus strand (G>A on the coding strand, the complement: CTSB is on the minus strand). VCF-style: chr8-11845769-C-T. GRCh37 (hg19) VCF-style: chr8-11703278-C-T.
Other names: c.442G>A, p.Gly148Arg (NM_001317237.2); c.814G>A, p.Gly272Arg (NM_001384714.1, NM_001384723.1, NM_001384724.1 and 8 more transcripts); short protein forms G148R, G272R.
Identifiers: ClinVar variation 1470863 (VCV001470863.6), dbSNP rs756929729, ClinGen allele CA4632447.
Genomic context (GRCh38, chr8:11,845,769, plus strand): 5'-GTGTGCCATTCTCCACTCCCCAGCCCAGGATGCGGATGGCATGGCCACCCATCATCTCTC[C>T]GGTGACGTGTTGGTACACTCCTGAAAAGGGAAGAACTGGCTGAGACCGAGACCGGGCCAC-3'
Protein context (NP_001899.1, residues 262-282): YKSGVYQHVT[Gly272Arg]EMMGGHAIRI